The following is an entry in ClinVar:

ClinVar aggregate classification (germline): Uncertain significance. Review status: criteria provided, multiple submitters, no conflicts (2 of 4 stars). 2 submissions from 2 submitters: Uncertain significance (2). Last evaluated 2022-08-20.

Conditions:
Neuronal ceroid lipofuscinosis. Also called: Neuronal Ceroid Lipofuscinoses. Identifiers: Orphanet 216, Orphanet 79263, MedGen C0027877, MONDO:0016295. Disease mechanism: loss of function.

Submissions (2):

Labcorp Genetics (formerly Invitae), Labcorp
Classification: Uncertain significance for Neuronal ceroid lipofuscinosis. Last evaluated: 2022-08-20. Review status: criteria provided, single submitter. Criteria: Invitae Variant Classification Sherloc (09022015). Collection method: clinical testing. Allele origin: germline.
Comment: This sequence change replaces aspartic acid, which is acidic and polar, with glutamic acid, which is acidic and polar, at codon 29 of the CLN3 protein (p.Asp29Glu). This variant is not present in population databases (gnomAD no frequency). This variant has not been reported in the literature in individuals affected with CLN3-related conditions. ClinVar contains an entry for this variant (Variation ID: 429617). Algorithms developed to predict the effect of missense changes on protein structure and function output the following: SIFT: "Tolerated"; PolyPhen-2: "Benign"; Align-GVGD: "Class C0". The glutamic acid amino acid residue is found in multiple mammalian species, which suggests that this missense change does not adversely affect protein function. In summary, the available evidence is currently insufficient to determine the role of this variant in disease. Therefore, it has been classified as a Variant of Uncertain Significance.

GeneDx
Classification: Uncertain significance. Last evaluated: 2017-05-08. Review status: criteria provided, single submitter. Criteria: GeneDx Variant Classification (06012015). Collection method: clinical testing. Allele origin: germline. Affected: yes.
Comment: A variant of uncertain significance has been identified in the CLN3 gene. The D29E variant has not been published as a pathogenic variant, nor has it been reported as a benign variant to our knowledge. The D29E variant is not observed in large population cohorts (Lek et al., 2016; 1000 Genomes Consortium et al., 2015; Exome Variant Server). The D29E variant is a conservative amino acid substitution, which is not likely to impact secondary protein structure as these residues share similar properties. This substitution occurs at a position that is not conserved and in silico analysis predicts this variant likely does not alter the protein structure/function. Based on the currently available information, it is unclear whether this variant is a pathogenic variant or a rare benign variant.

NM_001042432.2(CLN3):c.87C>A (p.Asp29Glu)

Gene: CLN3 (CLN3 lysosomal/endosomal transmembrane protein, battenin; minus strand). Cytogenetic location: 16p12.1.
Variant type: single nucleotide variant.
Coding change: c.87C>A on transcript NM_001042432.2 (MANE Select); coding-DNA position 87, C replaced by A.
Protein change: p.Asp29Glu; replaces aspartic acid 29 with glutamic acid.
Molecular consequence: missense variant. On other transcripts: intron variant (3).
Genome position (GRCh38, 1-based): chr16:28,491,520, G>T on the plus strand (C>A on the coding strand, the complement: CLN3 is on the minus strand). VCF-style: chr16-28491520-G-T. GRCh37 (hg19) VCF-style: chr16-28502841-G-T.
Other names: c.87C>A, p.Asp29Glu (NM_000086.2, NM_001286104.2); c.-38+194C>A (NM_001286109.2, NM_001286110.2); c.-96+194C>A (NM_001286105.2); short protein forms D29E.
Identifiers: ClinVar variation 429617 (VCV000429617.5), dbSNP rs1131691496, ClinGen allele CA395347058.
Genomic context (GRCh38, chr16:28,491,520, plus strand): 5'-GCTGAAGTCTCAGGCCACTCACCAGAAGCCCACCGCGTTCTTCCAATGCGCGCCCTGATG[G>T]TCCAACAGAGGGAGCCGGGGCTCCGGGACGGTCTCCTCCCCTGGGAGAGCGAGAAGAGGG-3'
Protein context (NP_001035897.1, residues 19-39): TVPEPRLPLL[Asp29Glu]HQGAHWKNAV